The following is an entry in ClinVar:

NM_001023.4(RPS20):c.178-7G>A

Gene: RPS20 (ribosomal protein S20; minus strand). Cytogenetic location: 8q12.1.
Variant type: single nucleotide variant.
Coding change: c.178-7G>A on transcript NM_001023.4 (MANE Select); 7 bases into the intron before coding-DNA position 178, G replaced by A.
Molecular consequence: intron variant.
Genome position (GRCh38, 1-based): chr8:56,073,279, C>T on the plus strand (G>A on the coding strand, the complement: RPS20 is on the minus strand). VCF-style: chr8-56073279-C-T. GRCh37 (hg19) VCF-style: chr8-56985838-C-T.
Other names: c.178-7G>A (NM_001146227.3).
Identifiers: ClinVar variation 5042342 (VCV005042342.1).

ClinVar aggregate classification (germline): Likely benign (1 of 4 stars; one submission).

Conditions:
Familial colorectal cancer type X. Identifiers: Orphanet 440437, MedGen C3896578, MONDO:0018604.

Submission:

Myriad Genetics, Inc.
Classification: Likely benign for Familial colorectal cancer type X. Last evaluated: 2026-07-31. Review status: criteria provided, single submitter. Criteria: Myriad Autosomal Dominant, Autosomal Recessive and X-Linked Classification Criteria (2023). Collection method: clinical testing. Allele origin: unknown.
Comment: This variant is considered likely benign. This variant is intronic and is not expected to impact mRNA splicing.